The following is an entry in ClinVar:

NM_153704.6(TMEM67):c.2907+9T>C

Gene: TMEM67 (transmembrane protein 67; plus strand). Cytogenetic location: 8q22.1.
Variant type: single nucleotide variant.
Coding change: c.2907+9T>C on transcript NM_153704.6 (MANE Select); 9 bases into the intron after coding-DNA position 2907, T replaced by C.
Molecular consequence: intron variant.
Genome position (GRCh38, 1-based): chr8:93,815,456, T>C. VCF-style: chr8-93815456-T-C. GRCh37 (hg19) VCF-style: chr8-94827684-T-C.
Other names: c.2664+9T>C (NM_001142301.1).
Identifiers: ClinVar variation 913346 (VCV000913346.15), dbSNP rs372865972, ClinGen allele CA4808422.

ClinVar aggregate classification (germline): Conflicting classifications of pathogenicity. Review status: criteria provided, conflicting classifications (1 of 4 stars). 6 submissions from 4 submitters: Uncertain significance (3); Likely benign (3). Last evaluated 2025-11-16.

Conditions:
Nephronophthisis 11 (NPHP11). Identifiers: Orphanet 84081, MedGen C3150796, MONDO:0013302, OMIM 613550.
Meckel syndrome, type 3 (MKS3). Also called: MECKEL-GRUBER SYNDROME, TYPE 3. Identifiers: Orphanet 564, MedGen C1846357, MONDO:0011821, OMIM 607361.
Joubert syndrome 6 (JBTS6). Identifiers: Orphanet 475, MedGen C1853153, MONDO:0012539, OMIM 610688.
Meckel-Gruber syndrome. Also called: DYSENCEPHALIA SPLANCHNOCYSTICA; Dysencephalia splachnocystica; GRUBER SYNDROME. Identifiers: Orphanet 564, MedGen C0265215, MONDO:0018921.
Joubert syndrome. Also called: Familial aplasia of the vermis; JOUBERT-BOLTSHAUSER SYNDROME. Identifiers: Orphanet 475, MedGen C5979921, MONDO:0018772.
TMEM67-related disorder. Also called: TMEM67-related condition; TMEM67-related disorders. Identifiers: MedGen CN239423.

Allele frequency attached by ClinVar (database versions not stated): TOPMed 0.00005; gnomAD 0.00007; gnomAD exomes 0.00007 and 0.00010; ESP Exome Variant Server 0.00008; ExAC 0.00014.
gnomAD v4.1: 115 of 1,609,390 alleles (0.0071%); highest among the groups gnomAD compares: East Asian, 0.016%; no homozygotes.

Submissions (6):

Labcorp Genetics (formerly Invitae), Labcorp
Classification: Likely benign for Joubert syndrome; Meckel-Gruber syndrome. Last evaluated: 2025-11-16. Review status: criteria provided, single submitter. Criteria: Invitae Variant Classification Sherloc (09022015). Collection method: clinical testing. Allele origin: germline.

PreventionGenetics, part of Exact Sciences
Classification: Likely benign for TMEM67-related condition. Last evaluated: 2024-11-12. Review status: criteria provided, single submitter. Criteria: ACMG Guidelines, 2015. Collection method: clinical testing. Allele origin: germline.
Comment: This variant is classified as likely benign based on ACMG/AMP sequence variant interpretation guidelines (Richards et al. 2015 PMID: 25741868, with internal and published modifications).

Blueprint Genetics
Classification: Likely benign. Last evaluated: 2024-08-23. Review status: criteria provided, single submitter. Criteria: ACMG Guidelines, 2015. Collection method: clinical testing. Allele origin: germline.

Illumina Laboratory Services, Illumina
Classification: Uncertain significance for Nephronophthisis 11. Last evaluated: 2018-01-13. Review status: criteria provided, single submitter. Criteria: ICSL Variant Classification Criteria 13 December 2019. Collection method: clinical testing. Allele origin: germline.

Illumina Laboratory Services, Illumina
Classification: Uncertain significance for Joubert syndrome 6. Last evaluated: 2018-01-13. Review status: criteria provided, single submitter. Criteria: ICSL Variant Classification Criteria 13 December 2019. Collection method: clinical testing. Allele origin: germline.

Illumina Laboratory Services, Illumina
Classification: Uncertain significance for Meckel syndrome, type 3. Last evaluated: 2018-01-13. Review status: criteria provided, single submitter. Criteria: ICSL Variant Classification Criteria 13 December 2019. Collection method: clinical testing. Allele origin: germline.